The following is an entry in ClinVar:

ClinVar aggregate classification (germline): Uncertain significance. Review status: criteria provided, multiple submitters, no conflicts (2 of 4 stars). 3 submissions from 3 submitters: Uncertain significance (3). Last evaluated 2025-09-17.

Conditions:
Rienhoff syndrome. Also called: LOEYS-DIETZ SYNDROME 5. Identifiers: MedGen C3810012, MONDO:0014262, OMIM 615582.
Familial thoracic aortic aneurysm and aortic dissection (TAAD). Also called: Thoracic aortic aneurysms and dissections. Identifiers: Orphanet 91387, MedGen C4707243, MONDO:0019625.

Allele frequency attached by ClinVar (database versions not stated): gnomAD 0.00001; gnomAD exomes 0.00001 and 0.00002; ExAC 0.00002; TOPMed 0.00002.

Submissions (3):

Ambry Genetics
Classification: Uncertain significance for Familial thoracic aortic aneurysm and aortic dissection. Last evaluated: 2025-09-17. Review status: criteria provided, single submitter. Criteria: Ambry Variant Classification Scheme 2023. Collection method: clinical testing. Allele origin: germline.
Comment: The p.K269R variant (also known as c.806A>G), located in coding exon 5 of the TGFB3 gene, results from an A to G substitution at nucleotide position 806. The lysine at codon 269 is replaced by arginine, an amino acid with highly similar properties. This amino acid position is conserved. In addition, this alteration is predicted to be tolerated by in silico analysis. Based on the available evidence, the clinical significance of this variant remains unclear.

Labcorp Genetics (formerly Invitae), Labcorp
Classification: Uncertain significance for Rienhoff syndrome. Last evaluated: 2025-04-19. Review status: criteria provided, single submitter. Criteria: Invitae Variant Classification Sherloc (09022015). Collection method: clinical testing. Allele origin: germline.
Comment: This sequence change replaces lysine, which is basic and polar, with arginine, which is basic and polar, at codon 269 of the TGFB3 protein (p.Lys269Arg). This variant is present in population databases (rs771638085, gnomAD 0.004%). This variant has not been reported in the literature in individuals affected with TGFB3-related conditions. ClinVar contains an entry for this variant (Variation ID: 477644). Invitae Evidence Modeling of protein sequence and biophysical properties (such as structural, functional, and spatial information, amino acid conservation, physicochemical variation, residue mobility, and thermodynamic stability) indicates that this missense variant is not expected to disrupt TGFB3 protein function with a negative predictive value of 80%. In summary, the available evidence is currently insufficient to determine the role of this variant in disease. Therefore, it has been classified as a Variant of Uncertain Significance.

GeneDx
Classification: Uncertain significance. Last evaluated: 2024-10-30. Review status: criteria provided, single submitter. Criteria: GeneDx Variant Classification Process June 2021. Collection method: clinical testing. Allele origin: germline. Affected: yes.
Comment: Has not been previously published as pathogenic or benign to our knowledge; Not observed at significant frequency in large population cohorts (gnomAD); In silico analysis indicates that this missense variant does not alter protein structure/function

NM_003239.5(TGFB3):c.806A>G (p.Lys269Arg)

Gene: TGFB3 (transforming growth factor beta 3; minus strand). Cytogenetic location: 14q24.3.
Variant type: single nucleotide variant.
Coding change: c.806A>G on transcript NM_003239.5 (MANE Select); coding-DNA position 806, A replaced by G.
Protein change: p.Lys269Arg; replaces lysine 269 with arginine.
Molecular consequence: missense variant.
Genome position (GRCh38, 1-based): chr14:75,963,436, T>C on the plus strand (A>G on the coding strand, the complement: TGFB3 is on the minus strand). VCF-style: chr14-75963436-T-C. GRCh37 (hg19) VCF-style: chr14-76429779-T-C.
Other names: c.806A>G, p.Lys269Arg (NM_001329938.2, NM_001329939.2); c.806A>G (NM_003239.2); short protein forms K269R.
Identifiers: ClinVar variation 477644 (VCV000477644.12), dbSNP rs771638085, ClinGen allele CA7280332.